The following is an entry in ClinVar:

ClinVar aggregate classification (germline): Pathogenic (1 of 4 stars; one submission).

Conditions:
Niemann-Pick disease, type C1. Also called: NIEMANN-PICK DISEASE, VARIANT TYPE C1; NEUROVISCERAL STORAGE DISEASE WITH VERTICAL SUPRANUCLEAR OPHTHALMOPLEGIA; NIEMANN-PICK DISEASE WITH CHOLESTEROL ESTERIFICATION BLOCK; NIEMANN-PICK DISEASE WITHOUT SPHINGOMYELINASE DEFICIENCY; NIEMANN-PICK DISEASE, CHRONIC NEURONOPATHIC FORM. Identifiers: Orphanet 646, MedGen C3179455, MONDO:0009757, OMIM 257220.

Submission:

Labcorp Genetics (formerly Invitae), Labcorp
Classification: Pathogenic for Niemann-Pick disease, type C1. Last evaluated: 2022-01-13. Review status: criteria provided, single submitter. Criteria: Invitae Variant Classification Sherloc (09022015). Collection method: clinical testing. Allele origin: germline.
Comment: ClinVar contains an entry for this variant (Variation ID: 861914). This sequence change creates a premature translational stop signal (p.Phe345Serfs*104) in the NPC1 gene. It is expected to result in an absent or disrupted protein product. Loss-of-function variants in NPC1 are known to be pathogenic (PMID: 9211850). This variant is not present in population databases (gnomAD no frequency). This variant has not been reported in the literature in individuals affected with NPC1-related conditions. For these reasons, this variant has been classified as Pathogenic.

Literature cited by the submitters: PubMed 9211850.

NM_000271.5(NPC1):c.1034del (p.Phe345fs)

Gene: NPC1 (NPC intracellular cholesterol transporter 1; minus strand). Cytogenetic location: 18q11.2.
Variant type: Deletion.
Coding change: c.1034del on transcript NM_000271.5 (MANE Select); coding-DNA position 1034, one base deleted (T; older notation c.1034delT).
Protein change: p.Phe345fs; shifts the reading frame from phenylalanine 345.
Molecular consequence: frameshift variant.
Genome position (GRCh38, 1-based): chr18:23,556,535, A deleted on the plus strand (T on the coding strand, the reverse complement: NPC1 is on the minus strand); the first of 3 consecutive A bases (chr18:23,556,535-23,556,537); deleting any one gives the same sequence. VCF-style (leftmost placement, unchanged base first): chr18-23556534-GA-G. GRCh37 (hg19) VCF-style: chr18-21136498-GA-G.
Other names: short protein forms F345fs.
Identifiers: ClinVar variation 861914 (VCV000861914.9), dbSNP rs1057516950, ClinGen allele CA916083633.